The following is an entry in ClinVar:

NM_002439.5(MSH3):c.2609T>A (p.Leu870Ter)

Gene: MSH3 (mutS homolog 3; plus strand). Cytogenetic location: 5q14.1.
Variant type: single nucleotide variant.
Coding change: c.2609T>A on transcript NM_002439.5 (MANE Select); coding-DNA position 2609, T replaced by A.
Protein change: p.Leu870Ter; replaces leucine 870 with a stop codon.
Molecular consequence: nonsense.
Genome position (GRCh38, 1-based): chr5:80,792,798, T>A. VCF-style: chr5-80792798-T-A. GRCh37 (hg19) VCF-style: chr5-80088617-T-A.
Other names: short protein forms L870*.
Identifiers: ClinVar variation 3398743 (VCV003398743.1).
Genomic context (GRCh38, chr5:80,792,798, plus strand): 5'-CTGTACAAGAAGAAAGAAAAATTGTAATAAAAAATGGAAGGCACCCTGTGATTGATGTGT[T>A]GCTGGGAGAACAGGATCAATATGTCCCAAATAATACAGATTTATCAGTAAGTACCTTATG-3'

ClinVar aggregate classification (germline): Pathogenic (1 of 4 stars; one submission).

Conditions:
Hereditary cancer-predisposing syndrome. Also called: Hereditary Cancer Syndrome; Tumor predisposition; Hereditary neoplastic syndrome; Neoplastic Syndromes, Hereditary. Identifiers: Orphanet 140162, MedGen C0027672, MeSH D009386, MONDO:0015356.

Submission:

Ambry Genetics
Classification: Pathogenic for Hereditary cancer-predisposing syndrome. Last evaluated: 2024-10-29. Review status: criteria provided, single submitter. Criteria: Ambry Variant Classification Scheme 2023. Collection method: clinical testing. Allele origin: germline.
Comment: The p.L870* pathogenic mutation (also known as c.2609T>A), located in coding exon 19 of the MSH3 gene, results from a T to A substitution at nucleotide position 2609. This changes the amino acid from a leucine to a stop codon within coding exon 19. This variant is considered to be rare based on population cohorts in the Genome Aggregation Database (gnomAD). This alteration is expected to result in loss of function by premature protein truncation or nonsense-mediated mRNA decay. As such, this alteration is interpreted as a disease-causing mutation.